The following is an entry in ClinVar:

ClinVar aggregate classification (germline): Likely benign (0 of 4 stars; one submission).

Conditions:
SPTB-related disorder. Also called: SPTB-related condition; SPTB-Related Disorders.

Allele frequency attached by ClinVar (database versions not stated): gnomAD exomes below 0.00001; ExAC 0.00001.
gnomAD v4.1: 5 of 1,601,338 alleles (0.00031%); highest among the groups gnomAD compares: South Asian, 0.0044%; no homozygotes.

Submission:

PreventionGenetics, part of Exact Sciences
Classification: Likely benign for SPTB-related condition. Last evaluated: 2021-09-20. Review status: no assertion criteria provided. Collection method: clinical testing. Allele origin: germline.
Comment: This variant is classified as likely benign based on ACMG/AMP sequence variant interpretation guidelines (Richards et al. 2015 PMID: 25741868, with internal and published modifications).

NM_001355436.2(SPTB):c.6831G>A (p.Leu2277=)

Genes: PLEKHG3 (pleckstrin homology and RhoGEF domain containing G3; plus strand), SPTB (spectrin beta, erythrocytic; minus strand). Cytogenetic location: 14q23.3.
Variant type: single nucleotide variant.
Coding change: c.6831G>A on transcript NM_001355436.2 (MANE Select); coding-DNA position 6831, G replaced by A.
Protein change: p.Leu2277=; no amino-acid change (leucine 2277 retained).
Molecular consequence: synonymous variant. On other transcripts: 3 prime UTR variant (1).
Genome position (GRCh38, 1-based): chr14:64,749,462, C>T on the plus strand (G>A on the coding strand, the complement: SPTB is on the minus strand). VCF-style: chr14-64749462-C-T. GRCh37 (hg19) VCF-style: chr14-65216180-C-T.
Other names: c.*5759C>T (NM_001308147.2); c.6831G>A, p.Leu2277= (NM_001024858.4).
Identifiers: ClinVar variation 3059908 (VCV003059908.2), dbSNP rs781179849, ClinGen allele CA7229351.